The following is an entry in ClinVar:

ClinVar aggregate classification (germline): Uncertain significance (1 of 4 stars; one submission).

Conditions:
Cardiovascular phenotype. Identifiers: MedGen CN230736.

Submission:

Ambry Genetics
Classification: Uncertain significance for Cardiovascular phenotype. Last evaluated: 2022-06-02. Review status: criteria provided, single submitter. Criteria: Ambry Variant Classification Scheme 2023. Collection method: clinical testing. Allele origin: germline.
Comment: The p.P1075A variant (also known as c.3223C>G), located in coding exon 23 of the LAMA4 gene, results from a C to G substitution at nucleotide position 3223. The proline at codon 1075 is replaced by alanine, an amino acid with highly similar properties. This amino acid position is conserved. In addition, this alteration is predicted to be tolerated by in silico analysis. Since supporting evidence is limited at this time, the clinical significance of this alteration remains unclear.

NM_001105206.3(LAMA4):c.3244C>G (p.Pro1082Ala)

Gene: LAMA4 (laminin subunit alpha 4; minus strand). Cytogenetic location: 6q21.
Variant type: single nucleotide variant.
Coding change: c.3244C>G on transcript NM_001105206.3 (MANE Select); coding-DNA position 3244, C replaced by G.
Protein change: p.Pro1082Ala; replaces proline 1082 with alanine.
Molecular consequence: missense variant.
Genome position (GRCh38, 1-based): chr6:112,139,158, G>C on the plus strand (C>G on the coding strand, the complement: LAMA4 is on the minus strand). VCF-style: chr6-112139158-G-C. GRCh37 (hg19) VCF-style: chr6-112460360-G-C.
Other names: c.3223C>G, p.Pro1075Ala (NM_001105207.3, NM_002290.5); short protein forms P1082A, P1075A.
Identifiers: ClinVar variation 1729102 (VCV001729102.2), dbSNP rs2547019116, ClinGen allele CA365378882.